The following is an entry in ClinVar:

ClinVar aggregate classification (germline): Uncertain significance (1 of 4 stars; one submission).

Submission:

GeneDx
Classification: Uncertain significance. Last evaluated: 2023-12-01. Review status: criteria provided, single submitter. Criteria: GeneDx Variant Classification Process June 2021. Collection method: clinical testing. Allele origin: germline. Affected: yes.
Comment: Not observed at significant frequency in large population cohorts (gnomAD); In silico analysis supports that this missense variant has a deleterious effect on protein structure/function; Has not been previously published as pathogenic or benign to our knowledge

NM_032545.4(CFC1):c.331G>A (p.Gly111Ser)

Gene: CFC1 (cryptic, EGF-CFC family member 1; minus strand). Cytogenetic location: 2q21.1.
Variant type: single nucleotide variant.
Coding change: c.331G>A on transcript NM_032545.4 (MANE Select); coding-DNA position 331, G replaced by A.
Protein change: p.Gly111Ser; replaces glycine 111 with serine.
Molecular consequence: missense variant. On other transcripts: intron variant (2).
Genome position (GRCh38, 1-based): chr2:130,597,899, C>T on the plus strand (G>A on the coding strand, the complement: CFC1 is on the minus strand). VCF-style: chr2-130597899-C-T. GRCh37 (hg19) VCF-style: chr2-131355472-C-T.
Other names: c.247+743G>A (NM_001270421.2); c.248-296G>A (NM_001270420.2); short protein forms G111S.
Identifiers: ClinVar variation 3252140 (VCV003252140.1), dbSNP rs2467910272.